The following is an entry in ClinVar:

NM_001123385.2(BCOR):c.1553A>G (p.Glu518Gly)

Genes: BCOR (BCL6 corepressor; minus strand), LOC126863239 (MED14-independent group 3 enhancer GRCh37_chrX:39932994-39934193; plus strand). Cytogenetic location: Xp11.4.
Variant type: single nucleotide variant.
Coding change: c.1553A>G on transcript NM_001123385.2 (MANE Select); coding-DNA position 1553, A replaced by G.
Protein change: p.Glu518Gly; replaces glutamic acid 518 with glycine.
Molecular consequence: missense variant.
Genome position (GRCh38, 1-based): chrX:40,073,793, T>C on the plus strand (A>G on the coding strand, the complement: BCOR is on the minus strand). VCF-style: chrX-40073793-T-C. GRCh37 (hg19) VCF-style: chrX-39933046-T-C.
Other names: c.1553A>G, p.Glu518Gly (NM_001123383.2, NM_001123384.2, NM_017745.6); short protein forms E518G.
Identifiers: ClinVar variation 2502103 (VCV002502103.1), dbSNP rs2520017228, ClinGen allele CA412746266.

ClinVar aggregate classification (germline): Uncertain significance (1 of 4 stars; one submission).

Submission:

GeneDx
Classification: Uncertain significance. Last evaluated: 2022-11-15. Review status: criteria provided, single submitter. Criteria: GeneDx Variant Classification Process June 2021. Collection method: clinical testing. Allele origin: germline. Affected: yes.
Comment: Not observed at significant frequency in large population cohorts (gnomAD); In silico analysis supports that this missense variant has a deleterious effect on protein structure/function; Has not been previously published as pathogenic or benign to our knowledge